The following is an entry in ClinVar:

ClinVar aggregate classification (germline): Uncertain significance. Review status: criteria provided, multiple submitters, no conflicts (2 of 4 stars). 2 submissions from 2 submitters: Uncertain significance (2). Last evaluated 2024-04-23.

Conditions:
Hypertrophic cardiomyopathy. Also called: HYPERTROPHIC MYOCARDIOPATHY. Identifiers: Orphanet 217569, MedGen C0007194, MeSH D002312, MONDO:0005045, HP:0001639.
Primary dilated cardiomyopathy (DCM). Also called: Dilated Cardiomyopathy. Identifiers: Orphanet 217604, MedGen C0007193, MeSH D002311, MONDO:0005021, HP:0001644. Inheritance: Various modes of inheritance.

Submissions (2):

Ambry Genetics
Classification: Uncertain significance. Last evaluated: 2024-04-23. Review status: criteria provided, single submitter. Criteria: Ambry Variant Classification Scheme 2023. Collection method: clinical testing. Allele origin: germline.
Comment: The p.G130S variant (also known as c.388G>A), located in coding exon 4 of the PDLIM3 gene, results from a G to A substitution at nucleotide position 388. The glycine at codon 130 is replaced by serine, an amino acid with similar properties. This amino acid position is conserved. In addition, this alteration is predicted to be tolerated by in silico analysis. Based on the available evidence, the clinical significance of this variant remains unclear.

Labcorp Genetics (formerly Invitae), Labcorp
Classification: Uncertain significance for Hypertrophic cardiomyopathy; Primary dilated cardiomyopathy. Last evaluated: 2019-06-18. Review status: criteria provided, single submitter. Criteria: Invitae Variant Classification Sherloc (09022015). Collection method: clinical testing. Allele origin: germline.
Comment: In summary, the available evidence is currently insufficient to determine the role of this variant in disease. Therefore, it has been classified as a Variant of Uncertain Significance. Algorithms developed to predict the effect of missense changes on protein structure and function output the following: SIFT: "Tolerated"; PolyPhen-2: "Benign"; Align-GVGD: "Class C0". The serine amino acid residue is found in multiple mammalian species, suggesting that this missense change does not adversely affect protein function. These predictions have not been confirmed by published functional studies and their clinical significance is uncertain. This variant has not been reported in the literature in individuals with PDLIM3-related conditions. This variant is not present in population databases (ExAC no frequency). This sequence change replaces glycine with serine at codon 130 of the PDLIM3 protein (p.Gly130Ser). The glycine residue is highly conserved and there is a small physicochemical difference between glycine and serine.

NM_014476.6(PDLIM3):c.388G>A (p.Gly130Ser)

Genes: PDLIM3 (PDZ and LIM domain 3; minus strand), LOC126807246 (BRD4-independent group 4 enhancer GRCh37_chr4:186434842-186436041; plus strand). Cytogenetic location: 4q35.1.
Variant type: single nucleotide variant.
Coding change: c.388G>A on transcript NM_014476.6 (MANE Select); coding-DNA position 388, G replaced by A.
Protein change: p.Gly130Ser; replaces glycine 130 with serine.
Molecular consequence: missense variant. On other transcripts: intron variant (1).
Genome position (GRCh38, 1-based): chr4:185,514,280, C>T on the plus strand (G>A on the coding strand, the complement: PDLIM3 is on the minus strand). VCF-style: chr4-185514280-C-T. GRCh37 (hg19) VCF-style: chr4-186435434-C-T.
Other names: c.388G>A, p.Gly130Ser (NM_001257962.2); c.151G>A, p.Gly51Ser (NM_001257963.2); c.518+423G>A (NM_001114107.5); c.388G>A (NM_014476.4); short protein forms G130S, G51S.
Identifiers: ClinVar variation 841616 (VCV000841616.11), dbSNP rs2095711219, ClinGen allele CA358924905.